The following is an entry in ClinVar:

ClinVar aggregate classification (germline): Uncertain significance (1 of 4 stars; one submission).

Conditions:
Inborn genetic diseases. Identifiers: MedGen C0950123, MeSH D030342.

Submission:

Ambry Genetics
Classification: Uncertain significance for Inborn genetic diseases. Last evaluated: 2024-06-22. Review status: criteria provided, single submitter. Criteria: Ambry Variant Classification Scheme 2023. Collection method: clinical testing. Allele origin: germline.
Comment: The p.M82V variant (also known as c.244A>G), located in coding exon 3 of the ATR gene, results from an A to G substitution at nucleotide position 244. The methionine at codon 82 is replaced by valine, an amino acid with highly similar properties. This amino acid position is conserved. In addition, this alteration is predicted to be tolerated by in silico analysis. Based on the available evidence, the clinical significance of this variant remains unclear.

NM_001184.4(ATR):c.244A>G (p.Met82Val)

Gene: ATR (ATR serine/threonine kinase; minus strand). Cytogenetic location: 3q23.
Variant type: single nucleotide variant.
Coding change: c.244A>G on transcript NM_001184.4 (MANE Select); coding-DNA position 244, A replaced by G.
Protein change: p.Met82Val; replaces methionine 82 with valine.
Molecular consequence: missense variant.
Genome position (GRCh38, 1-based): chr3:142,566,169, T>C on the plus strand (A>G on the coding strand, the complement: ATR is on the minus strand). VCF-style: chr3-142566169-T-C. GRCh37 (hg19) VCF-style: chr3-142285011-T-C.
Other names: c.244A>G, p.Met82Val (NM_001354579.2); short protein forms M82V.
Identifiers: ClinVar variation 3332225 (VCV003332225.1).